The following is an entry in ClinVar:

ClinVar aggregate classification (germline): Benign. Review status: criteria provided, multiple submitters, no conflicts (2 of 4 stars). 4 submissions from 4 submitters: Benign (4). Last evaluated 2026-02-03.

Conditions:
Complex cortical dysplasia with other brain malformations 4. Identifiers: MedGen C3809420, MONDO:0014171, OMIM 615412.

Allele frequency attached by ClinVar (database versions not stated): gnomAD exomes 0.55226 and 0.56024; ExAC 0.55822; ESP Exome Variant Server 0.57752; TOPMed 0.57834; gnomAD 0.58017 and 0.58061; 1000 Genomes Project 0.59105; 1000 Genomes Project 30x 0.59603.
gnomAD v4.1: 888,533 of 1,582,648 alleles (56%); highest among the groups gnomAD compares: African/African-American, 70%; 255,870 homozygotes.

Submissions (4):

Labcorp Genetics (formerly Invitae), Labcorp
Classification: Benign. Last evaluated: 2026-02-03. Review status: criteria provided, single submitter. Criteria: Invitae Variant Classification Sherloc (09022015). Collection method: clinical testing. Allele origin: germline.

Genome-Nilou Lab
Classification: Benign for Complex cortical dysplasia with other brain malformations 4. Last evaluated: 2021-12-05. Review status: criteria provided, single submitter. Criteria: ACMG Guidelines, 2015. Collection method: clinical testing. Allele origin: germline. Affected: no.

GeneDx
Classification: Benign. Last evaluated: 2016-01-11. Review status: criteria provided, single submitter. Criteria: GeneDx Variant Classification (06012015). Collection method: clinical testing. Allele origin: germline. Affected: yes.
Comment: This variant is considered likely benign or benign based on one or more of the following criteria: it is a conservative change, it occurs at a poorly conserved position in the protein, it is predicted to be benign by multiple in silico algorithms, and/or has population frequency not consistent with disease.

Breakthrough Genomics
Classification: Benign. Review status: criteria provided, single submitter. Criteria: ACMG Guidelines, 2015. Collection method: not provided. Allele origin: germline. Inheritance: Autosomal dominant inheritance. Affected: yes.

NM_001070.5(TUBG1):c.1029C>G (p.Arg343=)

Gene: TUBG1 (tubulin gamma 1; plus strand). Cytogenetic location: 17q21.2.
Variant type: single nucleotide variant.
Coding change: c.1029C>G on transcript NM_001070.5 (MANE Select); coding-DNA position 1029, C replaced by G.
Protein change: p.Arg343=; no amino-acid change (arginine 343 retained).
Molecular consequence: synonymous variant.
Genome position (GRCh38, 1-based): chr17:42,614,528, C>G. VCF-style: chr17-42614528-C-G. GRCh37 (hg19) VCF-style: chr17-40766546-C-G.
Identifiers: ClinVar variation 380875 (VCV000380875.11), dbSNP rs1045710, ClinGen allele CA8580047.
Genomic context (GRCh38, chr17:42,614,528, plus strand): 5'-ACCTCCACTGCTCCTATGCCCACCCCAGGTCCACAAGAGCTTGCAGAGGATCCGGGAACG[C>G]AAGTTGGCCAACTTCATCCCGTGGGGCCCCGCCAGCATCCAGGTGGCCCTGTCGAGGAAG-3'
Protein context (NP_001061.2, residues 333-353): VHKSLQRIRE[Arg343=]KLANFIPWGP